The following is an entry in ClinVar:

NM_003839.4(TNFRSF11A):c.320C>T (p.Thr107Met)

Gene: TNFRSF11A (TNF receptor superfamily member 11a; plus strand). Cytogenetic location: 18q21.33.
Variant type: single nucleotide variant.
Coding change: c.320C>T on transcript NM_003839.4 (MANE Select); coding-DNA position 320, C replaced by T.
Protein change: p.Thr107Met; replaces threonine 107 with methionine.
Molecular consequence: missense variant.
Genome position (GRCh38, 1-based): chr18:62,354,427, C>T. VCF-style: chr18-62354427-C-T. GRCh37 (hg19) VCF-style: chr18-60021660-C-T.
Other names: c.320C>T, p.Thr107Met (NM_001270949.2, NM_001270950.2, NM_001270951.2 and 1 more transcripts); short protein forms T107M.
Identifiers: ClinVar variation 1937595 (VCV001937595.5), dbSNP rs2511558387, ClinGen allele CA402612150.

ClinVar aggregate classification (germline): Uncertain significance (1 of 4 stars; one submission).

Allele frequency attached by ClinVar (database versions not stated): gnomAD exomes below 0.00001.
gnomAD v4.1: 1 of 1,594,776 alleles (0.000063%); highest among the groups gnomAD compares: Non-Finnish European, 0.000085%; no homozygotes.

Submission:

Labcorp Genetics (formerly Invitae), Labcorp
Classification: Uncertain significance. Last evaluated: 2025-03-17. Review status: criteria provided, single submitter. Criteria: Invitae Variant Classification Sherloc (09022015). Collection method: clinical testing. Allele origin: germline.
Comment: This sequence change replaces threonine, which is neutral and polar, with methionine, which is neutral and non-polar, at codon 107 of the TNFRSF11A protein (p.Thr107Met). This variant is not present in population databases (gnomAD no frequency). This variant has not been reported in the literature in individuals affected with TNFRSF11A-related conditions. ClinVar contains an entry for this variant (Variation ID: 1937595). Invitae Evidence Modeling of protein sequence and biophysical properties (such as structural, functional, and spatial information, amino acid conservation, physicochemical variation, residue mobility, and thermodynamic stability) indicates that this missense variant is expected to disrupt TNFRSF11A protein function with a positive predictive value of 80%. In summary, the available evidence is currently insufficient to determine the role of this variant in disease. Therefore, it has been classified as a Variant of Uncertain Significance.